The following is an entry in ClinVar:

ClinVar aggregate classification (germline): Benign. Review status: criteria provided, multiple submitters, no conflicts (2 of 4 stars). 3 submissions from 3 submitters: Benign (3). Last evaluated 2024-06-20.

Allele frequency attached by ClinVar (database versions not stated): gnomAD exomes 0.00112 and 0.00283; ExAC 0.00341; ESP Exome Variant Server 0.01183; gnomAD 0.01208 and 0.01306; TOPMed 0.01346; 1000 Genomes Project 0.01378; 1000 Genomes Project 30x 0.01468.
gnomAD v4.1: 3,525 of 1,606,110 alleles (0.22%); highest among the groups gnomAD compares: African/African-American, 4.2%; 59 homozygotes.

Submissions (6):

Mayo Clinic Laboratories, Mayo Clinic
Classification: Benign. Last evaluated: 2024-06-20. Review status: criteria provided, single submitter. Criteria: ACMG Guidelines, 2015. Collection method: clinical testing. Allele origin: germline. Observed: 7 variant alleles.
Comment: BS1, BS2, BP4, BP7

Labcorp Genetics (formerly Invitae), Labcorp
Classification: Benign. Last evaluated: 2019-12-31. Review status: criteria provided, single submitter. Criteria: Invitae Variant Classification Sherloc (09022015). Collection method: clinical testing. Allele origin: germline.

Breakthrough Genomics
Classification: Benign. Review status: criteria provided, single submitter. Criteria: ACMG Guidelines, 2015. Collection method: not provided. Allele origin: germline. Inheritance: Autosomal dominant inheritance. Affected: yes.

Dr. Peter K. Rogan Lab, Western University
No classification provided (evidence only). Condition: Uterine corpus endometrial carcinoma. Review status: no classification provided. Collection method: in vitro. Allele origin: not applicable. Functional consequence: retained intron. Not counted in ClinVar's aggregate classification.

Dr. Peter K. Rogan Lab, Western University
No classification provided (evidence only). Condition: Cervical cancer. Review status: no classification provided. Collection method: in vitro. Allele origin: not applicable. Functional consequence: retained intron. Not counted in ClinVar's aggregate classification.

Dr. Peter K. Rogan Lab, Western University
No classification provided (evidence only). Condition: Sarcoma. Review status: no classification provided. Collection method: in vitro. Allele origin: not applicable. Functional consequence: skipped exon, retained intron. Not counted in ClinVar's aggregate classification.

NM_001385012.1(NBEA):c.7771-9A>G

Gene: NBEA (neurobeachin; plus strand). Cytogenetic location: 13q13.3.
Variant type: single nucleotide variant.
Coding change: c.7771-9A>G on transcript NM_001385012.1 (MANE Select); 9 bases into the intron before coding-DNA position 7771, A replaced by G.
Molecular consequence: intron variant.
Genome position (GRCh38, 1-based): chr13:35,649,646, A>G. VCF-style: chr13-35649646-A-G. GRCh37 (hg19) VCF-style: chr13-36223783-A-G.
Other names: NC_000013.10:g.36223783A>G; p.?; c.7708-9A>G (NM_015678.5); c.7762-9A>G (NM_001379245.1); c.1087-9A>G (NM_001204197.3).
Identifiers: ClinVar variation 710184 (VCV000710184.7), dbSNP rs78759625, ClinGen allele CA6947860.
Genomic context (GRCh38, chr13:35,649,646, plus strand): 5'-CCCTAGACCTTTCACTAACTATGTTATTCCTTTTGTCTTCCTCTGTTCTCTTCCCTTTCT[A>G]TTCAACAGTGTTTCCTTCCACAGAGTCCGCTCATGTTTAAAGATCAGATGCAACAGGATG-3'